The following is an entry in ClinVar:

NM_001267550.2(TTN):c.51965dup (p.Leu17322fs)

Genes: TTN (titin; minus strand), TTN-AS1 (TTN antisense RNA 1; plus strand). Cytogenetic location: 2q31.2.
Variant type: Duplication.
Coding change: c.51965dup on transcript NM_001267550.2 (MANE Select); coding-DNA position 51965, one base duplicated (T; older notation c.51965dupT).
Protein change: p.Leu17322fs; shifts the reading frame from leucine 17322.
Molecular consequence: frameshift variant.
Genome position (GRCh38, 1-based): chr2:178,609,345, A duplicated on the plus strand (T on the coding strand, the reverse complement: TTN is on the minus strand); the first of 3 consecutive A bases (chr2:178,609,345-178,609,347); duplicating any one gives the same sequence. VCF-style (leftmost placement, unchanged base first): chr2-178609344-C-CA. GRCh37 (hg19) VCF-style: chr2-179474071-C-CA.
Other names: c.47042dup, p.Leu15681fs (NM_001256850.1); c.24770dup, p.Leu8257fs (NM_003319.4); c.44261dup, p.Leu14754fs (NM_133378.4); c.25145dup, p.Leu8382fs (NM_133432.3); c.25346dup, p.Leu8449fs (NM_133437.4); c.24770dupT (NM_003319.4); short protein forms L15681fs, L8449fs, L17322fs, L8257fs, L8382fs, L14754fs.
Identifiers: ClinVar variation 1791843 (VCV001791843.7), dbSNP rs2470384677, ClinGen allele CA2580064979.

ClinVar aggregate classification (germline): Likely pathogenic. Review status: criteria provided, multiple submitters, no conflicts (2 of 4 stars). 2 submissions from 2 submitters: Likely pathogenic (2). Last evaluated 2024-10-28.

Conditions:
Dilated cardiomyopathy 1G (CMD1G). Identifiers: Orphanet 154, MedGen C1858763, MONDO:0011400, OMIM 604145.
Autosomal recessive limb-girdle muscular dystrophy type 2J (LGMDR10). Also called: Limb-girdle muscular dystrophy, type 2J; MUSCULAR DYSTROPHY, LIMB-GIRDLE, AUTOSOMAL RECESSIVE 10. Identifiers: Orphanet 140922, MedGen C1837342, MONDO:0012127, OMIM 608807.
Cardiovascular phenotype. Identifiers: MedGen CN230736.

Submissions (2):

Labcorp Genetics (formerly Invitae), Labcorp
Classification: Likely pathogenic for Dilated cardiomyopathy 1G; Autosomal recessive limb-girdle muscular dystrophy type 2J. Last evaluated: 2024-10-28. Review status: criteria provided, single submitter. Criteria: Invitae Variant Classification Sherloc (09022015). Collection method: clinical testing. Allele origin: germline.
Comment: This sequence change creates a premature translational stop signal (p.Leu17322Phefs*4) in the TTN gene. While this is not anticipated to result in nonsense mediated decay, it is expected to create a truncated TTN protein. This variant is not present in population databases (gnomAD no frequency). This premature translational stop signal has been observed in individual(s) with autosomal recessive TTN-related conditions and/or clinical features of TTN-related conditions (PMID: 37652022; internal data). ClinVar contains an entry for this variant (Variation ID: 1791843). This variant is located in the A band of TTN (PMID: 25589632). Truncating variants in this region are significantly overrepresented in patients affected with dilated cardiomyopathy (PMID: 25589632). Truncating variants in this region have also been reported in individuals affected with autosomal recessive centronuclear myopathy (PMID: 23975875). In summary, the currently available evidence indicates that the variant is pathogenic, but additional data are needed to prove that conclusively. Therefore, this variant has been classified as Likely Pathogenic.

Ambry Genetics
Classification: Likely pathogenic for Cardiovascular phenotype. Last evaluated: 2021-03-25. Review status: criteria provided, single submitter. Criteria: Ambry Variant Classification Scheme 2023. Collection method: clinical testing. Allele origin: germline.
Comment: The c.24770dupT variant, located in coding exon 100 of the TTN gene, results from a duplication of T at nucleotide position 24770, causing a translational frameshift with a predicted alternate stop codon (p.L8257Ffs*4). This exon is located in the A-band region of the N2-B isoform of the titin protein and is constitutively expressed in TTN transcripts (percent spliced in or PSI 100%). This alteration is expected to result in loss of function by premature protein truncation or nonsense-mediated mRNA decay. While truncating variants in TTN are present in 1-3% of the general population, truncating variants in the A-band are the most common cause of dilated cardiomyopathy (DCM) (Herman DS et al. N. Engl. J. Med., 2012 Feb;366:619-28; Roberts AM et al. Sci Transl Med, 2015 Jan;7:270ra6). TTN truncating variants encoded in constitutive exons (PSI >90%) have been found to be significantly associated with DCM regardless of their position in titin (Schafer S et al. Nat. Genet., 2017 01;49:46-53). As such, this alteration is classified as likely pathogenic.

Literature cited by the submitters: PubMed 37652022 (cited by Labcorp Genetics (formerly Invitae), Labcorp); PubMed 25589632 (cited by Labcorp Genetics (formerly Invitae), Labcorp); PubMed 23975875 (cited by Labcorp Genetics (formerly Invitae), Labcorp).